The following is an entry in ClinVar:

NM_004409.5(DMPK):c.*224CTG[158]

Genes: DM1-AS (DM1 locus antisense RNA; plus strand), DMPK (DM1 protein kinase; minus strand), LOC107075317 (origin of replication in DMPK trinucleotide repeat region; plus strand), LOC109461477 (dystrophia myotonica protein kinase repeat instability region; plus strand). Cytogenetic location: 19q13.32.
Variant type: Microsatellite.
Coding change: c.*224CTG[158] on transcript NM_004409.5 (MANE Select); 158 copies in a row of the 3-base unit CTG starting at c.*224.
Molecular consequence: 3 prime UTR variant.
Genome position: GRCh38, VCF-style position (the base before the change): chr19:45,770,204. GRCh37 (hg19), VCF-style position (the base before the change): chr19:46,273,462.
Other names: DM1 CTG repeat expansion; c.*224CTG[158] (NM_001081560.3, NM_001288764.2, NM_001424165.1 and 1 more transcripts); c.*217CTG[158] (NM_001081562.3, NM_001288765.2, NM_001424162.1 and 2 more transcripts); c.*222_*224TGC[158] (NM_001081563.3); c.*369CTG[158] (NM_001288766.2, NM_001424164.1, NM_001424168.1).
Identifiers: ClinVar variation 187926 (VCV000187926.1), ClinGen allele CA915951722.

ClinVar aggregate classification (germline): Pathogenic (0 of 4 stars; one submission).

Conditions:
Steinert myotonic dystrophy syndrome (DM1). Also called: STEINERT DISEASE; Myotonic dystrophy type 1; Dystrophia myotonica type 1; Steinert myotonic dystrophy; Steinert's disease. Identifiers: Orphanet 273, MedGen C3250443, MONDO:0008056, OMIM 160900.

Submission:

Institute of Molecular, Cell and Systems Biology, University of Glasgow
Classification: Pathogenic for Steinert myotonic dystrophy syndrome. Review status: no assertion criteria provided. Criteria: research. Collection method: research. Allele origin: germline. Inheritance: Autosomal dominant inheritance. Affected: no and yes. Observed: 2 heterozygotes.
Comment: DMPK CTG repeat expansions greater than approximately 45-50 repeats are assumed to be pathogenic

This record is based on data published in PubMed 25052313, which reports only ClinVar accessions SCV000120188 and SCV000120189. The complete data set includes SCV000207445 - SCV000207579.

Literature cited by the submitters: PubMed 1346923; PubMed 1546326; PubMed 25052313.